The following is an entry in ClinVar:

ClinVar aggregate classification (germline): Likely pathogenic (1 of 4 stars; one submission).

Submission:

Labcorp Genetics (formerly Invitae), Labcorp
Classification: Likely pathogenic. Last evaluated: 2025-03-04. Review status: criteria provided, single submitter. Criteria: Invitae Variant Classification Sherloc (09022015). Collection method: clinical testing. Allele origin: germline.
Comment: This sequence change affects an acceptor splice site in intron 2 of the CTNNA1 gene. RNA analysis indicates that disruption of this splice site induces altered splicing and may result in an absent or altered protein product. This variant is not present in population databases (gnomAD no frequency). This variant has not been reported in the literature in individuals affected with CTNNA1-related conditions. Studies have shown that disruption of this splice site results in skipping of exon 3, and produces a non-functional protein and/or introduces a premature termination codon (internal data). In summary, the currently available evidence indicates that the variant is pathogenic, but additional data are needed to prove that conclusively. Therefore, this variant has been classified as Likely Pathogenic.

NM_001903.5(CTNNA1):c.106-1G>A

Gene: CTNNA1 (catenin alpha 1; plus strand). Cytogenetic location: 5q31.2.
Variant type: single nucleotide variant.
Coding change: c.106-1G>A on transcript NM_001903.5 (MANE Select); the canonical splice acceptor site of the intron before coding-DNA position 106, G replaced by A.
Molecular consequence: splice acceptor variant. On other transcripts: intron variant (1).
Genome position (GRCh38, 1-based): chr5:138,783,176, G>A. VCF-style: chr5-138783176-G-A. GRCh37 (hg19) VCF-style: chr5-138118865-G-A.
Other names: c.106-1G>A (NM_001323982.2, NM_001323984.2, NM_001290307.3 and 3 more transcripts); c.-101-1G>A (NM_001290310.3); c.-9+1147G>A (NM_001290309.3).
Identifiers: ClinVar variation 3669321 (VCV003669321.2).